The following is an entry in ClinVar:

ClinVar aggregate classification (germline): Likely benign. Review status: criteria provided, single submitter (1 of 4 stars). 2 submissions from 2 submitters: Likely benign (1). 1 of the submissions does not count toward it. Last evaluated 2026-01-13.

Allele frequency attached by ClinVar (database versions not stated): 1000 Genomes Project 0.00100; gnomAD below 0.00001 and 0.00017; TOPMed 0.00003; gnomAD exomes 0.00027 and 0.00054; ExAC 0.00058; 1000 Genomes Project 30x 0.00078.

Submissions (2):

Labcorp Genetics (formerly Invitae), Labcorp
Classification: Likely benign. Last evaluated: 2026-01-13. Review status: criteria provided, single submitter. Criteria: Invitae Variant Classification Sherloc (09022015). Collection method: clinical testing. Allele origin: germline.

ITMI
No classification provided. Condition: AllHighlyPenetrant. Last evaluated: 2013-09-19. Review status: no classification provided. Collection method: reference population. Allele origin: germline. Not counted in ClinVar's aggregate classification.
Comment: Please see associated publication for description of ethnicities

Literature cited by the submitters: PubMed 24728327 (cited by ITMI).

NM_004448.4(ERBB2):c.433C>T (p.Leu145Phe)

Gene: ERBB2 (erb-b2 receptor tyrosine kinase 2; plus strand). Cytogenetic location: 17q12.
Variant type: single nucleotide variant.
Coding change: c.433C>T on transcript NM_004448.4 (MANE Select); coding-DNA position 433, C replaced by T.
Protein change: p.Leu145Phe; replaces leucine 145 with phenylalanine.
Molecular consequence: missense variant. On other transcripts: non-coding transcript variant (1), intron variant (1).
Genome position (GRCh38, 1-based): chr17:39,708,528, C>T. VCF-style: chr17-39708528-C-T. GRCh37 (hg19) VCF-style: chr17-37864781-C-T.
Other names: c.343C>T, p.Leu115Phe (NM_001005862.3, NM_001289938.2, NM_001382782.1 and 1 more transcripts); c.388C>T, p.Leu130Phe (NM_001289936.2); c.433C>T, p.Leu145Phe (NM_001289937.2, NM_001382784.1, NM_001382785.1 and 19 more transcripts); c.424C>T, p.Leu142Phe (NM_001382791.1); c.74-3400C>T (NM_001382804.1); short protein forms L115F, L145F, L130F, L142F.
Identifiers: ClinVar variation 134089 (VCV000134089.10), dbSNP rs527779103, ClinGen allele CA158716.
Genomic context (GRCh38, chr17:39,708,528, plus strand): 5'-AATACCACCCCTGTCACAGGGGCCTCCCCAGGAGGCCTGCGGGAGCTGCAGCTTCGAAGC[C>T]TCACAGGTGGCCTTCACCGTCATTGAAACCTTCTCTTGGTTATTCAGAGCTGACCAGGGC-3'
Protein context (NP_004439.2, residues 135-155): GGLRELQLRS[Leu145Phe]TEILKGGVLI